The following is an entry in ClinVar:

ClinVar aggregate classification (germline): Likely benign. Review status: criteria provided, single submitter (1 of 4 stars). 2 submissions from 2 submitters: Likely benign (1). 1 of the submissions does not count toward it. Last evaluated 2025-11-29.

Conditions:
CNTNAP2-related disorder. Also called: CNTNAP2-related condition.
Cortical dysplasia-focal epilepsy syndrome (PTHSL1). Also called: Pitt-Hopkins-like syndrome 1. Identifiers: Orphanet 163681, Orphanet 221150, MedGen C2750246, MONDO:0012400, OMIM 610042.

Allele frequency attached by ClinVar (database versions not stated): gnomAD exomes 0.00001 and 0.00003; TOPMed 0.00002; ExAC 0.00003.
gnomAD v4.1: 8 of 1,614,016 alleles (0.0005%); highest among the groups gnomAD compares: Admixed American, 0.013%; no homozygotes.

Submissions (2):

Labcorp Genetics (formerly Invitae), Labcorp
Classification: Likely benign for Cortical dysplasia-focal epilepsy syndrome. Last evaluated: 2025-11-29. Review status: criteria provided, single submitter. Criteria: Invitae Variant Classification Sherloc (09022015). Collection method: clinical testing. Allele origin: germline.

PreventionGenetics, part of Exact Sciences
Classification: Likely benign for CNTNAP2-related condition. Last evaluated: 2023-09-24. Review status: no assertion criteria provided. Collection method: clinical testing. Allele origin: germline. Not counted in ClinVar's aggregate classification.
Comment: This variant is classified as likely benign based on ACMG/AMP sequence variant interpretation guidelines (Richards et al. 2015 PMID: 25741868, with internal and published modifications).

NM_014141.6(CNTNAP2):c.924G>A (p.Leu308=)

Gene: CNTNAP2 (contactin associated protein 2; plus strand). Cytogenetic location: 7q35.
Variant type: single nucleotide variant.
Coding change: c.924G>A on transcript NM_014141.6 (MANE Select); coding-DNA position 924, G replaced by A.
Protein change: p.Leu308=; no amino-acid change (leucine 308 retained).
Molecular consequence: synonymous variant.
Genome position (GRCh38, 1-based): chr7:147,121,148, G>A. VCF-style: chr7-147121148-G-A. GRCh37 (hg19) VCF-style: chr7-146818240-G-A.
Other names: c.924G>A (NM_014141.5).
Identifiers: ClinVar variation 1478241 (VCV001478241.10), dbSNP rs769347712, ClinGen allele CA4545918.
Genomic context (GRCh38, chr7:147,121,148, plus strand): 5'-TAACCTCACTCTGGACAGGAGCATGCAGCACTTCCGTACCAATGGAGAGTTTGACTACCT[G>A]GACTTGGACTATGAGGTACATGTGATGACGTAGAAATTGTAATAAAATGTCAAGCAATTG-3'
Protein context (NP_054860.1, residues 298-318): HFRTNGEFDY[Leu308=]DLDYEITFGG